The following is an entry in ClinVar:

NM_004260.4(RECQL4):c.2338C>T (p.Arg780Trp)

Gene: RECQL4 (RecQ like helicase 4; minus strand). Cytogenetic location: 8q24.3.
Variant type: single nucleotide variant.
Coding change: c.2338C>T on transcript NM_004260.4 (MANE Select); coding-DNA position 2338, C replaced by T.
Protein change: p.Arg780Trp; replaces arginine 780 with tryptophan.
Molecular consequence: missense variant.
Genome position (GRCh38, 1-based): chr8:144,513,343, G>A on the plus strand (C>T on the coding strand, the complement: RECQL4 is on the minus strand). VCF-style: chr8-144513343-G-A. GRCh37 (hg19) VCF-style: chr8-145738726-G-A.
Other names: short protein forms R780W.
Identifiers: ClinVar variation 406925 (VCV000406925.9), dbSNP rs372741479, ClinGen allele CA4948329.

ClinVar aggregate classification (germline): Uncertain significance. Review status: criteria provided, multiple submitters, no conflicts (2 of 4 stars). 2 submissions from 2 submitters: Uncertain significance (2). Last evaluated 2025-10-22.

Conditions:
Inborn genetic diseases. Identifiers: MedGen C0950123, MeSH D030342.
Baller-Gerold syndrome (BGS). Also called: CRANIOSYNOSTOSIS WITH RADIAL DEFECTS. Identifiers: Orphanet 1225, MedGen C0265308, MONDO:0009039, OMIM 218600.

Allele frequency attached by ClinVar (database versions not stated): ExAC 0.00002; gnomAD 0.00003 and 0.00004; gnomAD exomes 0.00003; TOPMed 0.00005; ESP Exome Variant Server 0.00008.
gnomAD v4.1: 33 of 1,604,602 alleles (0.0021%); highest among the groups gnomAD compares: African/African-American, 0.0053%; no homozygotes.

Submissions (2):

Labcorp Genetics (formerly Invitae), Labcorp
Classification: Uncertain significance for Baller-Gerold syndrome. Last evaluated: 2025-10-22. Review status: criteria provided, single submitter. Criteria: Invitae Variant Classification Sherloc (09022015). Collection method: clinical testing. Allele origin: germline.
Comment: This sequence change replaces arginine, which is basic and polar, with tryptophan, which is neutral and slightly polar, at codon 780 of the RECQL4 protein (p.Arg780Trp). The frequency data for this variant in the population databases is considered unreliable, as metrics indicate poor data quality at this position in the gnomAD database. This variant has not been reported in the literature in individuals affected with RECQL4-related conditions. ClinVar contains an entry for this variant (Variation ID: 406925). Invitae Evidence Modeling of protein sequence and biophysical properties (such as structural, functional, and spatial information, amino acid conservation, physicochemical variation, residue mobility, and thermodynamic stability) indicates that this missense variant is expected to disrupt RECQL4 protein function with a positive predictive value of 80%. In summary, the available evidence is currently insufficient to determine the role of this variant in disease. Therefore, it has been classified as a Variant of Uncertain Significance.

Ambry Genetics
Classification: Uncertain significance for Inborn genetic diseases. Last evaluated: 2021-10-22. Review status: criteria provided, single submitter. Criteria: Ambry Variant Classification Scheme 2023. Collection method: clinical testing. Allele origin: germline.